The following is an entry in ClinVar:

ClinVar aggregate classification (germline): Pathogenic (1 of 4 stars; one submission).

Conditions:
Ehlers-Danlos syndrome, classic type, 1 (EDSCL1). Also called: EHLERS-DANLOS SYNDROME, GRAVIS TYPE; EHLERS-DANLOS SYNDROME, SEVERE CLASSIC TYPE; Ehlers-Danlos syndrome, type 1; Ehlers-Danlos Syndrome, Classic Type, COL5A1-Related; EDS I. Identifiers: MedGen C0268335, MONDO:0019567, OMIM 130000.

Submission:

Labcorp Genetics (formerly Invitae), Labcorp
Classification: Pathogenic for Ehlers-Danlos syndrome, classic type, 1. Last evaluated: 2023-06-21. Review status: criteria provided, single submitter. Criteria: Invitae Variant Classification Sherloc (09022015). Collection method: clinical testing. Allele origin: germline.
Comment: This premature translational stop signal has been observed in individual(s) with Ehlers-Danlos syndrome (PMID: 23587214). This sequence change creates a premature translational stop signal (p.Tyr1654*) in the COL5A1 gene. It is expected to result in an absent or disrupted protein product. Loss-of-function variants in COL5A1 are known to be pathogenic (PMID: 23587214). This variant is not present in population databases (gnomAD no frequency). For these reasons, this variant has been classified as Pathogenic.

Literature cited by the submitters: PubMed 23587214.

NM_000093.5(COL5A1):c.4962C>A (p.Tyr1654Ter)

Genes: COL5A1 (collagen type V alpha 1 chain; plus strand), LOC101448202 (uncharacterized LOC101448202; minus strand). Cytogenetic location: 9q34.3.
Variant type: single nucleotide variant.
Coding change: c.4962C>A on transcript NM_000093.5 (MANE Select); coding-DNA position 4962, C replaced by A.
Protein change: p.Tyr1654Ter; replaces tyrosine 1654 with a stop codon.
Molecular consequence: nonsense.
Genome position (GRCh38, 1-based): chr9:134,825,799, C>A. VCF-style: chr9-134825799-C-A. GRCh37 (hg19) VCF-style: chr9-137717645-C-A.
Other names: c.4962C>A, p.Tyr1654Ter (NM_001278074.1); short protein forms Y1654*.
Identifiers: ClinVar variation 2720357 (VCV002720357.3), dbSNP rs998985081, ClinGen allele CA375458829.